The following is an entry in ClinVar:

NM_001330260.2(SCN8A):c.992+10T>A

Gene: SCN8A (sodium voltage-gated channel alpha subunit 8; plus strand). Cytogenetic location: 12q13.13.
Variant type: single nucleotide variant.
Coding change: c.992+10T>A on transcript NM_001330260.2 (MANE Select); 10 bases into the intron after coding-DNA position 992, T replaced by A.
Molecular consequence: intron variant.
Genome position (GRCh38, 1-based): chr12:51,701,217, T>A. VCF-style: chr12-51701217-T-A. GRCh37 (hg19) VCF-style: chr12-52095001-T-A.
Other names: c.992+10T>A (NM_014191.4, NM_001177984.3, NM_001369788.1).
Identifiers: ClinVar variation 383174 (VCV000383174.13), dbSNP rs367746278, ClinGen allele CA6571186.

ClinVar aggregate classification (germline): Likely benign. Review status: criteria provided, multiple submitters, no conflicts (2 of 4 stars). 2 submissions from 2 submitters: Likely benign (2). Last evaluated 2026-01-31.

Conditions:
Early-infantile DEE. Also called: Early infantile epileptic encephalopathy with suppression bursts; Ohtahara syndrome; Early infantile epileptic encephalopathy. Identifiers: Orphanet 1934, MedGen C0393706, MONDO:0800491.

Allele frequency attached by ClinVar (database versions not stated): gnomAD 0.00038 and 0.00033; TOPMed 0.00062; gnomAD exomes 0.00003 and 0.00012; ESP Exome Variant Server 0.00008; ExAC 0.00011; 1000 Genomes Project 30x 0.00016; 1000 Genomes Project 0.00020.
gnomAD v4.1: 97 of 1,565,734 alleles (0.0062%); highest among the groups gnomAD compares: African/African-American, 0.074%; no homozygotes.

Submissions (2):

Labcorp Genetics (formerly Invitae), Labcorp
Classification: Likely benign for Early-infantile DEE. Last evaluated: 2026-01-31. Review status: criteria provided, single submitter. Criteria: Invitae Variant Classification Sherloc (09022015). Collection method: clinical testing. Allele origin: germline.

GeneDx
Classification: Likely benign. Last evaluated: 2018-01-18. Review status: criteria provided, single submitter. Criteria: GeneDx Variant Classification (06012015). Collection method: clinical testing. Allele origin: germline. Affected: yes.
Comment: This variant is considered likely benign or benign based on one or more of the following criteria: it is a conservative change, it occurs at a poorly conserved position in the protein, it is predicted to be benign by multiple in silico algorithms, and/or has population frequency not consistent with disease.